The following is an entry in ClinVar:

NM_000155.4(GALT):c.910C>T (p.Pro304Ser)

Gene: GALT (galactose-1-phosphate uridylyltransferase; plus strand). Cytogenetic location: 9p13.3.
Variant type: single nucleotide variant.
Coding change: c.910C>T on transcript NM_000155.4 (MANE Select); coding-DNA position 910, C replaced by T.
Protein change: p.Pro304Ser; replaces proline 304 with serine.
Molecular consequence: missense variant.
Genome position (GRCh38, 1-based): chr9:34,649,415, C>T. VCF-style: chr9-34649415-C-T. GRCh37 (hg19) VCF-style: chr9-34649412-C-T.
Other names: c.583C>T, p.Pro195Ser (NM_001258332.2); short protein forms P304S, P195S.
Identifiers: ClinVar variation 1487767 (VCV001487767.8), dbSNP rs2132346162, ClinGen allele CA373284654.

ClinVar aggregate classification (germline): Likely pathogenic (1 of 4 stars; one submission).

Conditions:
Deficiency of UDPglucose-hexose-1-phosphate uridylyltransferase. Also called: GALT deficiency; Galactosemia, classic; GALACTOSE-1-PHOSPHATE URIDYLYLTRANSFERASE DEFICIENCY; Transferase Deficiency Galactosemia; GALACTOSEMIA I. Identifiers: Orphanet 352, Orphanet 79239, MedGen C0268151, MONDO:0009258, OMIM 230400.

Submission:

Labcorp Genetics (formerly Invitae), Labcorp
Classification: Likely pathogenic for Deficiency of UDPglucose-hexose-1-phosphate uridylyltransferase. Last evaluated: 2021-07-08. Review status: criteria provided, single submitter. Criteria: Invitae Variant Classification Sherloc (09022015). Collection method: clinical testing. Allele origin: germline.
Comment: This sequence change replaces proline with serine at codon 304 of the GALT protein (p.Pro304Ser). The proline residue is highly conserved and there is a moderate physicochemical difference between proline and serine. This variant is not present in population databases (ExAC no frequency). This variant has been observed in individual(s) with galactosemia (PMID: 30987402; Invitae). Advanced modeling of protein sequence and biophysical properties (such as structural, functional, and spatial information, amino acid conservation, physicochemical variation, residue mobility, and thermodynamic stability) performed at Invitae indicates that this missense variant is expected to disrupt GALT protein function. In summary, the currently available evidence indicates that the variant is pathogenic, but additional data are needed to prove that conclusively. Therefore, this variant has been classified as Likely Pathogenic.

Literature cited by the submitters: PubMed 30987402.